The following is an entry in ClinVar:

ClinVar aggregate classification (germline): Pathogenic/Likely pathogenic. Review status: criteria provided, multiple submitters, no conflicts (2 of 4 stars). 3 submissions from 3 submitters: Pathogenic (2); Likely pathogenic (1). Last evaluated 2026-05-27.

Conditions:
Cardiovascular phenotype. Identifiers: MedGen CN230736.
Hypertrophic cardiomyopathy 26. Also called: Cardiomyopathy, familial hypertrophic, 26. Identifiers: Orphanet 75249, MedGen C4310749, MONDO:0014883, OMIM 617047.
Myofibrillar myopathy 5. Also called: Filaminopathy (type); FILAMINOPATHY, AUTOSOMAL DOMINANT. Identifiers: Orphanet 171445, MedGen C1836050, MONDO:0012289, OMIM 609524.
Distal myopathy with posterior leg and anterior hand involvement. Also called: WILLIAMS DISTAL MYOPATHY. Identifiers: Orphanet 63273, MedGen C3279722, MONDO:0013550, OMIM 614065.

Submissions (3):

Ambry Genetics
Classification: Pathogenic for Cardiovascular phenotype. Last evaluated: 2026-05-27. Review status: criteria provided, single submitter. Criteria: Ambry Variant Classification Scheme 2023. Collection method: clinical testing. Allele origin: germline.
Comment: The c.1965_1966delTG pathogenic mutation, located in coding exon 12 of the FLNC gene, results from a deletion of two nucleotides at nucleotide positions 1965 to 1966, causing a translational frameshift with a predicted alternate stop codon (p.A656Pfs*8). This variant was reported in individual(s) with features consistent with arrhythmogenic cardiomyopathy with sudden cardiac death (Hall CL et al. Int J Cardiol, 2020 May;307:101-108; Vrettos A et al. Eur Heart J Case Rep, 2024 Mar;8:ytae111). This variant is considered to be rare based on population cohorts in the Genome Aggregation Database (gnomAD). This alteration is expected to result in loss of function by premature protein truncation or nonsense-mediated mRNA decay. As such, this alteration is interpreted as a disease-causing mutation for FLNC-related dilated cardiomyopathy; however, its clinical significance for FLNC-related hypertrophic/restrictive cardiomyopathy and/or skeletal myopathy is uncertain.

Labcorp Genetics (formerly Invitae), Labcorp
Classification: Pathogenic for Distal myopathy with posterior leg and anterior hand involvement; Myofibrillar myopathy 5; Hypertrophic cardiomyopathy 26. Last evaluated: 2025-09-19. Review status: criteria provided, single submitter. Criteria: Invitae Variant Classification Sherloc (09022015). Collection method: clinical testing. Allele origin: germline.
Comment: This sequence change creates a premature translational stop signal (p.Ala656Profs*8) in the FLNC gene. It is expected to result in an absent or disrupted protein product. Loss-of-function variants in FLNC are known to be pathogenic (PMID: 27908349). This variant is not present in population databases (gnomAD no frequency). This premature translational stop signal has been observed in individual(s) with arrhythmogenic cardiomyopathy and sudden cardiac death (PMID: 31627847). ClinVar contains an entry for this variant (Variation ID: 817766). For these reasons, this variant has been classified as Pathogenic.

GeneDx
Classification: Likely pathogenic. Last evaluated: 2018-08-09. Review status: criteria provided, single submitter. Criteria: GeneDx Variant Classification (06012015). Collection method: clinical testing. Allele origin: germline. Affected: yes.
Comment: Although the c.1965_1966delTG likely pathogenic variant in the FLNC gene has not been reported to our knowledge, this variant causes a shift in reading frame starting at codon alanine 656, changing it to a proline, and creating a premature stop codon at position 8 of the new reading frame, denoted p.Ala656ProfsX8. This likely pathogenic variant is expected to result in either an abnormal, truncated protein product or loss of protein from this allele through nonsense-mediated mRNA decay. Other downstream frameshift variants in the FLNC gene have been reported in Human Gene Mutation Database in association with cardiomyopathy (Stenson et al., 2014), indicating that loss of function is a mechanism of disease for this gene. Furthermore, the c.1965_1966delTG variant has not been observed in large population cohorts (Lek et al., 2016).In summary, c.1965_1966delTG in the FLNC gene is interpreted as a likely pathogenic variant.

Literature cited by the submitters: PubMed 31627847 (cited by Ambry Genetics and Labcorp Genetics (formerly Invitae), Labcorp); PubMed 38476289 (cited by Ambry Genetics); PubMed 27908349 (cited by Labcorp Genetics (formerly Invitae), Labcorp).

NM_001458.5(FLNC):c.1965_1966del (p.Ala656fs)

Gene: FLNC (filamin C; plus strand). Cytogenetic location: 7q32.1.
Variant type: Deletion.
Coding change: c.1965_1966del on transcript NM_001458.5 (MANE Select); coding-DNA positions 1965 to 1966, 2 bases deleted (TG; older notation c.1965_1966delTG).
Protein change: p.Ala656fs; shifts the reading frame from alanine 656.
Molecular consequence: frameshift variant.
Genome position (GRCh38, 1-based): chr7:128,841,321-128,841,322, TG deleted. VCF-style (leftmost placement, unchanged base first): chr7-128841320-TTG-T. GRCh37 (hg19) VCF-style: chr7-128481374-TTG-T.
Other names: c.1965_1966delTG (NM_001458.4); c.1965_1966del, p.Ala656fs (NM_001127487.2); short protein forms A656fs.
Identifiers: ClinVar variation 817766 (VCV000817766.10), dbSNP rs1585156450, ClinGen allele CA915945519.